The following is an entry in ClinVar:

ClinVar aggregate classification (germline): Uncertain significance (1 of 4 stars; one submission).

Allele frequency attached by ClinVar (database versions not stated): gnomAD exomes below 0.00001; TOPMed below 0.00001.
gnomAD v4.1: 5 of 1,611,056 alleles (0.00031%); highest among the groups gnomAD compares: African/African-American, 0.0027%; no homozygotes.

Submission:

Labcorp Genetics (formerly Invitae), Labcorp
Classification: Uncertain significance. Last evaluated: 2024-06-03. Review status: criteria provided, single submitter. Criteria: Invitae Variant Classification Sherloc (09022015). Collection method: clinical testing. Allele origin: germline.
Comment: This sequence change replaces glycine, which is neutral and non-polar, with valine, which is neutral and non-polar, at codon 900 of the BNC2 protein (p.Gly900Val). This variant is not present in population databases (gnomAD no frequency). This variant has not been reported in the literature in individuals affected with BNC2-related conditions. An algorithm developed to predict the effect of missense changes on protein structure and function (PolyPhen-2) suggests that this variant is likely to be tolerated. In summary, the available evidence is currently insufficient to determine the role of this variant in disease. Therefore, it has been classified as a Variant of Uncertain Significance.

NM_017637.6(BNC2):c.2699G>T (p.Gly900Val)

Gene: BNC2 (basonuclin zinc finger protein 2; minus strand). Cytogenetic location: 9p22.3.
Variant type: single nucleotide variant.
Coding change: c.2699G>T on transcript NM_017637.6 (MANE Select); coding-DNA position 2699, G replaced by T.
Protein change: p.Gly900Val; replaces glycine 900 with valine.
Molecular consequence: missense variant. On other transcripts: 3 prime UTR variant (1).
Genome position (GRCh38, 1-based): chr9:16,419,590, C>A on the plus strand (G>T on the coding strand, the complement: BNC2 is on the minus strand). VCF-style: chr9-16419590-C-A. GRCh37 (hg19) VCF-style: chr9-16419588-C-A.
Other names: c.*43G>T (NM_001317939.2); c.2414G>T, p.Gly805Val (NM_001317940.2); short protein forms G805V, G900V.
Identifiers: ClinVar variation 2990160 (VCV002990160.3), dbSNP rs112319445, ClinGen allele CA190326934.